The following is an entry in ClinVar:

NM_004560.4(ROR2):c.1670C>T (p.Ser557Leu)

Gene: ROR2 (ROR family WNT receptor 2; minus strand). Cytogenetic location: 9q22.31.
Variant type: single nucleotide variant.
Coding change: c.1670C>T on transcript NM_004560.4 (MANE Select); coding-DNA position 1670, C replaced by T.
Protein change: p.Ser557Leu; replaces serine 557 with leucine.
Molecular consequence: missense variant.
Genome position (GRCh38, 1-based): chr9:91,724,824, G>A on the plus strand (C>T on the coding strand, the complement: ROR2 is on the minus strand). VCF-style: chr9-91724824-G-A. GRCh37 (hg19) VCF-style: chr9-94487106-G-A.
Other names: short protein forms S557L.
Identifiers: ClinVar variation 282760 (VCV000282760.18), dbSNP rs56099091, ClinGen allele CA5120616.

ClinVar aggregate classification (germline): Conflicting classifications of pathogenicity. Review status: criteria provided, conflicting classifications (1 of 4 stars). 6 submissions from 5 submitters: Uncertain significance (3); Benign (1); Likely benign (2). Last evaluated 2025-08-25.

Conditions:
Brachydactyly type B1 (BDB1). Identifiers: Orphanet 572385, Orphanet 93383, MedGen C1862112, MONDO:0007220, OMIM 113000.
Autosomal recessive Robinow syndrome (RRS1). Also called: ROR2-Related Robinow Syndrome; ROBINOW SYNDROME, AUTOSOMAL RECESSIVE 1; COSTOVERTEBRAL SEGMENTATION DEFECT WITH MESOMELIA; COVESDEM SYNDROME. Identifiers: Orphanet 1507, Orphanet 97360, MedGen C5399974, MONDO:0009999, OMIM 268310.
Inborn genetic diseases. Identifiers: MedGen C0950123, MeSH D030342.

Allele frequency attached by ClinVar (database versions not stated): 1000 Genomes Project 0.00080; TOPMed 0.00097; 1000 Genomes Project 30x 0.00062; ExAC 0.00079; gnomAD exomes 0.00081; ESP Exome Variant Server 0.00092; gnomAD 0.00092 and 0.00098.
gnomAD v4.1: 1,633 of 1,606,760 alleles (0.1%); highest among the groups gnomAD compares: Non-Finnish European, 0.12%; 1 homozygote.

Submissions (6):

Labcorp Genetics (formerly Invitae), Labcorp
Classification: Likely benign. Last evaluated: 2025-08-25. Review status: criteria provided, single submitter. Criteria: Invitae Variant Classification Sherloc (09022015). Collection method: clinical testing. Allele origin: germline.

GeneDx
Classification: Uncertain significance. Last evaluated: 2024-09-01. Review status: criteria provided, single submitter. Criteria: GeneDx Variant Classification Process June 2021. Collection method: clinical testing. Allele origin: germline.
Comment: In silico analysis supports that this missense variant has a deleterious effect on protein structure/function; Has not been previously published as pathogenic or benign to our knowledge; This variant is associated with the following publications: (PMID: 29312610, 19718025)

Ambry Genetics
Classification: Likely benign for Inborn genetic diseases. Last evaluated: 2021-11-08. Review status: criteria provided, single submitter. Criteria: Ambry Variant Classification Scheme 2023. Collection method: clinical testing. Allele origin: germline.

Illumina Laboratory Services, Illumina
Classification: Uncertain significance for Autosomal recessive Robinow syndrome. Last evaluated: 2018-01-13. Review status: criteria provided, single submitter. Criteria: ICSL Variant Classification Criteria 13 December 2019. Collection method: clinical testing. Allele origin: germline.

Illumina Laboratory Services, Illumina
Classification: Benign for Brachydactyly type B1. Last evaluated: 2018-01-13. Review status: criteria provided, single submitter. Criteria: ICSL Variant Classification Criteria 13 December 2019. Collection method: clinical testing. Allele origin: germline.
Comment: This variant was observed in the ICSL laboratory as part of a predisposition screen in an ostensibly healthy population. It had not been previously curated by ICSL or reported in the Human Gene Mutation Database (HGMD: prior to June 1st, 2018), and was therefore a candidate for classification through an automated scoring system. Utilizing variant allele frequency, disease prevalence and penetrance estimates, and inheritance mode, an automated score was calculated to assess if this variant is too frequent to cause the disease. Based on the score and internal cut-off values, a variant classified as benign is not then subjected to further curation. The score for this variant resulted in a classification of benign for this disease.

Eurofins Ntd Llc (ga)
Classification: Uncertain significance. Last evaluated: 2017-01-20. Review status: criteria provided, single submitter. Criteria: EGL Classification Definitions 2015. Collection method: clinical testing. Allele origin: germline. Observed: 4 variant alleles, 4 heterozygotes.